The following is an entry in ClinVar:

ClinVar aggregate classification (germline): Benign/Likely benign. Review status: criteria provided, multiple submitters, no conflicts (2 of 4 stars). 4 submissions from 4 submitters: Benign (2); Likely benign (2). Last evaluated 2025-12-31.

Conditions:
PRPF6-related disorder. Also called: PRPF6-related condition.
Retinal dystrophy. Also called: Inherited retinal dystrophy. Identifiers: Orphanet 71862, MedGen C0854723, MeSH D058499, MONDO:0019118, HP:0000556.

Allele frequency attached by ClinVar (database versions not stated): gnomAD 0.00002; gnomAD exomes 0.00004 and 0.00010; ExAC 0.00009; TOPMed 0.00009; 1000 Genomes Project 30x 0.00016; 1000 Genomes Project 0.00020.
gnomAD v4.1: 69 of 1,613,336 alleles (0.0043%); highest among the groups gnomAD compares: East Asian, 0.1%; no homozygotes.

Submissions (4):

PreventionGenetics, part of Exact Sciences
Classification: Likely benign for PRPF6-related condition. Last evaluated: 2025-12-31. Review status: criteria provided, single submitter. Criteria: ACMG Guidelines, 2015. Collection method: clinical testing. Allele origin: germline.
Comment: This variant is classified as likely benign based on ACMG/AMP sequence variant interpretation guidelines (Richards et al. 2015 PMID: 25741868, with internal and published modifications).

Labcorp Genetics (formerly Invitae), Labcorp
Classification: Likely benign. Last evaluated: 2024-10-16. Review status: criteria provided, single submitter. Criteria: Invitae Variant Classification Sherloc (09022015). Collection method: clinical testing. Allele origin: germline.

Dept Of Ophthalmology, Nagoya University
Classification: Benign for Retinal dystrophy. Last evaluated: 2023-10-01. Review status: criteria provided, single submitter. Criteria: Submitter's publication. Collection method: research. Allele origin: germline. Affected: yes.

Blueprint Genetics
Classification: Benign. Last evaluated: 2022-05-05. Review status: criteria provided, single submitter. Criteria: ACMG Guidelines, 2015. Collection method: clinical testing. Allele origin: germline.

NM_012469.4(PRPF6):c.2806C>T (p.Arg936Cys)

Gene: PRPF6 (pre-mRNA processing factor 6; plus strand). Cytogenetic location: 20q13.33.
Variant type: single nucleotide variant.
Coding change: c.2806C>T on transcript NM_012469.4 (MANE Select); coding-DNA position 2806, C replaced by T.
Protein change: p.Arg936Cys; replaces arginine 936 with cysteine.
Molecular consequence: missense variant.
Genome position (GRCh38, 1-based): chr20:64,032,973, C>T. VCF-style: chr20-64032973-C-T. GRCh37 (hg19) VCF-style: chr20-62664326-C-T.
Other names: c.2806C>T (NM_012469.3); short protein forms R936C.
Identifiers: ClinVar variation 1085653 (VCV001085653.12), dbSNP rs550433087, ClinGen allele CA9972603.